The following is an entry in ClinVar:

NM_015346.4(ZFYVE26):c.35C>A (p.Ser12Ter)

Gene: ZFYVE26 (zinc finger FYVE-type containing 26; minus strand). Cytogenetic location: 14q24.1.
Variant type: single nucleotide variant.
Coding change: c.35C>A on transcript NM_015346.4 (MANE Select); coding-DNA position 35, C replaced by A.
Protein change: p.Ser12Ter; replaces serine 12 with a stop codon.
Molecular consequence: nonsense.
Genome position (GRCh38, 1-based): chr14:67,815,929, G>T on the plus strand (C>A on the coding strand, the complement: ZFYVE26 is on the minus strand). VCF-style: chr14-67815929-G-T. GRCh37 (hg19) VCF-style: chr14-68282646-G-T.
Other names: short protein forms S12*.
Identifiers: ClinVar variation 1382050 (VCV001382050.6), dbSNP rs200174594, ClinGen allele CA390165062.

ClinVar aggregate classification (germline): Pathogenic (1 of 4 stars; one submission).

Conditions:
Spastic paraplegia. Identifiers: MedGen C0037772, HP:0001258.

Submission:

Labcorp Genetics (formerly Invitae), Labcorp
Classification: Pathogenic for Spastic paraplegia. Last evaluated: 2021-03-24. Review status: criteria provided, single submitter. Criteria: Invitae Variant Classification Sherloc (09022015). Collection method: clinical testing. Allele origin: germline.
Comment: For these reasons, this variant has been classified as Pathogenic. This variant has not been reported in the literature in individuals with ZFYVE26-related conditions. This variant is not present in population databases (ExAC no frequency). This sequence change creates a premature translational stop signal (p.Ser12*) in the ZFYVE26 gene. It is expected to result in an absent or disrupted protein product. Loss-of-function variants in ZFYVE26 are known to be pathogenic (PMID: 18394578, 19805727).

Literature cited by the submitters: PubMed 18394578; PubMed 19805727.